The following is an entry in ClinVar:

ClinVar aggregate classification (germline): Conflicting classifications of pathogenicity. Review status: criteria provided, conflicting classifications (1 of 4 stars). 2 submissions from 2 submitters: Uncertain significance (1); Likely benign (1). Last evaluated 2024-10-27.

Conditions:
Inborn genetic diseases. Identifiers: MedGen C0950123, MeSH D030342.
Focal segmental glomerulosclerosis 5 (FSGS5). Identifiers: Orphanet 656, MedGen C2750475, MONDO:0013191, OMIM 613237.
Charcot-Marie-Tooth disease dominant intermediate E. Also called: CHARCOT-MARIE-TOOTH NEUROPATHY WITH FOCAL SEGMENTAL GLOMERULONEPHRITIS. Identifiers: Orphanet 93114, MedGen C4302667, MONDO:0013758, OMIM 614455.

Allele frequency attached by ClinVar (database versions not stated): ExAC 0.00001; gnomAD 0.00001 and 0.00002; gnomAD exomes 0.00001 and 0.00002; TOPMed 0.00002; ESP Exome Variant Server 0.00008.
gnomAD v4.1: 30 of 1,601,058 alleles (0.0019%); highest among the groups gnomAD compares: East Asian, 0.0023%; no homozygotes.

Submissions (2):

Labcorp Genetics (formerly Invitae), Labcorp
Classification: Likely benign for Charcot-Marie-Tooth disease dominant intermediate E; Focal segmental glomerulosclerosis 5. Last evaluated: 2024-10-27. Review status: criteria provided, single submitter. Criteria: Invitae Variant Classification Sherloc (09022015). Collection method: clinical testing. Allele origin: germline.

Ambry Genetics
Classification: Uncertain significance for Inborn genetic diseases. Last evaluated: 2021-12-14. Review status: criteria provided, single submitter. Criteria: Ambry Variant Classification Scheme 2023. Collection method: clinical testing. Allele origin: germline.
Comment: The p.R1075H variant (also known as c.3224G>A), located in coding exon 20 of the INF2 gene, results from a G to A substitution at nucleotide position 3224. The arginine at codon 1075 is replaced by histidine, an amino acid with highly similar properties. This amino acid position is highly conserved in available vertebrate species. In addition, this alteration is predicted to be tolerated by in silico analysis. Since supporting evidence is limited at this time, the clinical significance of this alteration remains unclear.

NM_022489.4(INF2):c.3224G>A (p.Arg1075His)

Gene: INF2 (inverted formin 2; plus strand). Cytogenetic location: 14q32.33.
Variant type: single nucleotide variant.
Coding change: c.3224G>A on transcript NM_022489.4 (MANE Select); coding-DNA position 3224, G replaced by A.
Protein change: p.Arg1075His; replaces arginine 1075 with histidine.
Molecular consequence: missense variant.
Genome position (GRCh38, 1-based): chr14:104,714,386, G>A. VCF-style: chr14-104714386-G-A. GRCh37 (hg19) VCF-style: chr14-105180723-G-A.
Other names: c.3224G>A, p.Arg1075His (NM_001031714.4); short protein forms R1075H.
Identifiers: ClinVar variation 472851 (VCV000472851.12), dbSNP rs370169829, ClinGen allele CA7373207.